The following is an entry in ClinVar:

NM_016580.4(PCDH12):c.3354G>T (p.Glu1118Asp)

Gene: PCDH12 (protocadherin 12; minus strand). Cytogenetic location: 5q31.3.
Variant type: single nucleotide variant.
Coding change: c.3354G>T on transcript NM_016580.4 (MANE Select); coding-DNA position 3354, G replaced by T.
Protein change: p.Glu1118Asp; replaces glutamic acid 1118 with aspartic acid.
Molecular consequence: missense variant.
Genome position (GRCh38, 1-based): chr5:141,945,582, C>A on the plus strand (G>T on the coding strand, the complement: PCDH12 is on the minus strand). VCF-style: chr5-141945582-C-A. GRCh37 (hg19) VCF-style: chr5-141325147-C-A.
Other names: short protein forms E1118D.
Identifiers: ClinVar variation 3364823 (VCV003364823.1).

ClinVar aggregate classification (germline): Uncertain significance (1 of 4 stars; one submission).

Submission:

GeneDx
Classification: Uncertain significance. Last evaluated: 2023-11-28. Review status: criteria provided, single submitter. Criteria: GeneDx Variant Classification Process June 2021. Collection method: clinical testing. Allele origin: germline. Affected: yes.
Comment: Not observed at significant frequency in large population cohorts (gnomAD); In silico analysis supports that this missense variant does not alter protein structure/function; Has not been previously published as pathogenic or benign to our knowledge